The following is an entry in ClinVar:

ClinVar aggregate classification (germline): Benign. Review status: criteria provided, multiple submitters, no conflicts (2 of 4 stars). 3 submissions from 3 submitters: Benign (2). 1 of the submissions does not count toward it. Last evaluated 2025-11-16.

Conditions:
CPAMD8-related disorder. Also called: CPAMD8-related condition.

Allele frequency attached by ClinVar (database versions not stated): gnomAD exomes 0.00229; ExAC 0.00259; gnomAD 0.00650 and 0.00706; 1000 Genomes Project 0.00739; TOPMed 0.00756; 1000 Genomes Project 30x 0.00781; ESP Exome Variant Server 0.00783.
gnomAD v4.1: 2,674 of 1,611,890 alleles (0.17%); highest among the groups gnomAD compares: African/African-American, 2.1%; 16 homozygotes.

Submissions (3):

Labcorp Genetics (formerly Invitae), Labcorp
Classification: Benign. Last evaluated: 2025-11-16. Review status: criteria provided, single submitter. Criteria: Invitae Variant Classification Sherloc (09022015). Collection method: clinical testing. Allele origin: germline.

Breakthrough Genomics
Classification: Benign. Review status: criteria provided, single submitter. Criteria: ACMG Guidelines, 2015. Collection method: not provided. Allele origin: germline. Inheritance: Autosomal recessive inheritance. Affected: yes.

PreventionGenetics, part of Exact Sciences
Classification: Benign for CPAMD8-related condition. Last evaluated: 2024-01-17. Review status: no assertion criteria provided. Collection method: clinical testing. Allele origin: germline. Not counted in ClinVar's aggregate classification.
Comment: This variant is classified as benign based on ACMG/AMP sequence variant interpretation guidelines (Richards et al. 2015 PMID: 25741868, with internal and published modifications).

NM_015692.5(CPAMD8):c.1740G>C (p.Glu580Asp)

Gene: CPAMD8 (C3 and PZP like alpha-2-macroglobulin domain containing 8; minus strand). Cytogenetic location: 19p13.11.
Variant type: single nucleotide variant.
Coding change: c.1740G>C on transcript NM_015692.5 (MANE Select); coding-DNA position 1740, G replaced by C.
Protein change: p.Glu580Asp; replaces glutamic acid 580 with aspartic acid.
Molecular consequence: missense variant.
Genome position (GRCh38, 1-based): chr19:16,977,386, C>G on the plus strand (G>C on the coding strand, the complement: CPAMD8 is on the minus strand). VCF-style: chr19-16977386-C-G. GRCh37 (hg19) VCF-style: chr19-17088196-C-G.
Other names: c.1881G>C (NM_015692.2); short protein forms E580D.
Identifiers: ClinVar variation 1599954 (VCV001599954.11), dbSNP rs138079023, ClinGen allele CA9285601.